The following is an entry in ClinVar:

NM_019892.6(INPP5E):c.1133G>A (p.Arg378His)

Gene: INPP5E (inositol polyphosphate-5-phosphatase E; minus strand). Cytogenetic location: 9q34.3.
Variant type: single nucleotide variant.
Coding change: c.1133G>A on transcript NM_019892.6 (MANE Select); coding-DNA position 1133, G replaced by A.
Protein change: p.Arg378His; replaces arginine 378 with histidine.
Molecular consequence: missense variant.
Genome position (GRCh38, 1-based): chr9:136,433,181, C>T on the plus strand (G>A on the coding strand, the complement: INPP5E is on the minus strand). VCF-style: chr9-136433181-C-T. GRCh37 (hg19) VCF-style: chr9-139327633-C-T.
Other names: c.1133G>A, p.Arg378His (NM_001318502.2); short protein forms R378H.
Identifiers: ClinVar variation 866268 (VCV000866268.18), dbSNP rs758951947, ClinGen allele CA5336943.

ClinVar aggregate classification (germline): Conflicting classifications of pathogenicity. Review status: criteria provided, conflicting classifications (1 of 4 stars). 6 submissions from 6 submitters: Pathogenic (2); Likely pathogenic (3); Uncertain significance (1). Last evaluated 2026-03-18.

Conditions:
INPP5E-related disorder. Also called: INPP5E-related condition.
Joubert syndrome 1 (JBTS1). Also called: CEREBELLOPARENCHYMAL DISORDER IV; Cerebellooculorenal syndrome 1. Identifiers: MedGen C4551568, MONDO:0008944, OMIM 213300.
MORM syndrome (MORMS). Identifiers: Orphanet 75858, MedGen C1857802, MONDO:0012423, OMIM 610156.
Joubert syndrome. Also called: JOUBERT-BOLTSHAUSER SYNDROME; Familial aplasia of the vermis. Identifiers: Orphanet 475, MedGen C5979921, MONDO:0018772.
Joubert syndrome and related disorders. Identifiers: Orphanet 140874, MedGen C5679612, MONDO:0015369.

Allele frequency attached by ClinVar (database versions not stated): TOPMed 0.00001; gnomAD 0.00002.
gnomAD v4.1: 50 of 1,372,480 alleles (0.0036%); highest among the groups gnomAD compares: East Asian, 0.0046%; no homozygotes.

Submissions (6):

Women's Health and Genetics/Laboratory Corporation of America, LabCorp
Classification: Pathogenic for Joubert syndrome and related disorders. Last evaluated: 2026-03-18. Review status: criteria provided, single submitter. Criteria: LabCorp Variant Classification Summary - May 2015. Collection method: clinical testing. Allele origin: germline.
Comment: Variant summary: INPP5E c.1133G>A (p.Arg378His) results in a non-conservative amino acid change located in the Inositol polyphosphate-related phosphatase domain (IPR000300) of the encoded protein sequence. Algorithms developed to predict the effect of missense changes on protein structure and function all suggest that this variant is likely to be disruptive. The variant allele was found at a frequency of 2.1e-05 in 237470 control chromosomes. c.1133G>A has been observed in individual(s) affected with Joubert Syndrome And Related Disorders (Porto_2017, internal_data). These data indicate that the variant may be associated with disease. A different variant affecting the same codon has been classified as likely pathogenic/pathogenic by our lab (c.1132C>T, p.Arg378Cys), supporting the critical relevance of codon 378 to INPP5E protein function. To our knowledge, no experimental evidence demonstrating an impact on protein function has been reported. The following publications have been ascertained in the context of this evaluation (PMID: 29186038). ClinVar contains an entry for this variant (Variation ID: 866268). Based on the evidence outlined above, the variant was classified as pathogenic.

Fulgent Genetics
Classification: Likely pathogenic for Joubert syndrome 1; MORM syndrome. Last evaluated: 2024-03-12. Review status: criteria provided, single submitter. Criteria: ACMG Guidelines, 2015. Collection method: clinical testing. Allele origin: germline.

GeneDx
Classification: Uncertain significance. Last evaluated: 2023-06-13. Review status: criteria provided, single submitter. Criteria: GeneDx Variant Classification Process June 2021. Collection method: clinical testing. Allele origin: germline. Affected: yes.
Comment: Not observed at significant frequency in large population cohorts (gnomAD); In silico analysis supports that this missense variant has a deleterious effect on protein structure/function; This variant is associated with the following publications: (PMID: 34426522, 23386033, 29186038)

Labcorp Genetics (formerly Invitae), Labcorp
Classification: Pathogenic for Joubert syndrome. Last evaluated: 2022-11-08. Review status: criteria provided, single submitter. Criteria: Invitae Variant Classification Sherloc (09022015). Collection method: clinical testing. Allele origin: germline.
Comment: For these reasons, this variant has been classified as Pathogenic. This variant disrupts the p.Arg378 amino acid residue in INPP5E. Other variant(s) that disrupt this residue have been determined to be pathogenic (PMID: 15786477, 19668216). This suggests that this residue is clinically significant, and that variants that disrupt this residue are likely to be disease-causing. Advanced modeling of protein sequence and biophysical properties (such as structural, functional, and spatial information, amino acid conservation, physicochemical variation, residue mobility, and thermodynamic stability) has been performed at Invitae for this missense variant, however the output from this modeling did not meet the statistical confidence thresholds required to predict the impact of this variant on INPP5E protein function. ClinVar contains an entry for this variant (Variation ID: 866268). This missense change has been observed in individual(s) with clinical features of inherited retinal dystrophy (PMID: 29186038; Invitae). In at least one individual the data is consistent with being in trans (on the opposite chromosome) from a pathogenic variant. The frequency data for this variant in the population databases is considered unreliable, as metrics indicate poor data quality at this position in the gnomAD database. This sequence change replaces arginine, which is basic and polar, with histidine, which is basic and polar, at codon 378 of the INPP5E protein (p.Arg378His).

Blueprint Genetics
Classification: Likely pathogenic for INPP5E-related disorders. Last evaluated: 2022-09-05. Review status: criteria provided, single submitter. Criteria: ACMG Guidelines, 2015. Collection method: clinical testing. Allele origin: germline. Affected: yes. Observed: 5 variant alleles.

Juno Genomics, Hangzhou Juno Genomics, Inc
Classification: Likely pathogenic for MORM syndrome; Joubert syndrome 1. Review status: criteria provided, single submitter. Criteria: ACMG Guidelines, 2015. Collection method: clinical testing. Allele origin: germline.
Comment: Absent from controls (or at extremely low frequency if recessive) in Genome Aggregation Database.;Multiple lines of computational evidence support a deleterious effect on the gene or gene product.;For recessive disorders, detected in trans with a pathogenic variant.;Patient's phenotype or family history is highly specific for a disease with a single genetic etiology.;Novel missense change at an amino acid residue where a different missense change determined to be pathogenic has been seen before.

Literature cited by the submitters: PubMed 29186038 (cited by Women's Health and Genetics/Laboratory Corporation of America, LabCorp and Labcorp Genetics (formerly Invitae), Labcorp); PubMed 15786477 (cited by Labcorp Genetics (formerly Invitae), Labcorp); PubMed 19668216 (cited by Labcorp Genetics (formerly Invitae), Labcorp).